The following is an entry in ClinVar:

ClinVar aggregate classification (germline): Uncertain significance (1 of 4 stars; one submission).

Allele frequency attached by ClinVar (database versions not stated): gnomAD exomes below 0.00001.
gnomAD v4.1: 1 of 1,174,090 alleles (0.000085%); highest among the groups gnomAD compares: Non-Finnish European, 0.00011%; no homozygotes.

Submission:

Labcorp Genetics (formerly Invitae), Labcorp
Classification: Uncertain significance. Last evaluated: 2021-07-22. Review status: criteria provided, single submitter. Criteria: Invitae Variant Classification Sherloc (09022015). Collection method: clinical testing. Allele origin: germline.
Comment: In summary, the available evidence is currently insufficient to determine the role of this variant in disease. Therefore, it has been classified as a Variant of Uncertain Significance. Algorithms developed to predict the effect of missense changes on protein structure and function are either unavailable or do not agree on the potential impact of this missense change (SIFT: "Deleterious"; PolyPhen-2: "Possibly Damaging"; Align-GVGD: "Class C0"). This variant has not been reported in the literature in individuals affected with OTULIN-related conditions. The frequency data for this variant in the population databases is considered unreliable, as metrics indicate insufficient coverage at this position in the ExAC database. This sequence change replaces glycine with cysteine at codon 32 of the OTULIN protein (p.Gly32Cys). The glycine residue is moderately conserved and there is a large physicochemical difference between glycine and cysteine.

NM_138348.6(OTULIN):c.94G>T (p.Gly32Cys)

Gene: OTULIN (OTU deubiquitinase with linear linkage specificity; plus strand). Cytogenetic location: 5p15.2.
Variant type: single nucleotide variant.
Coding change: c.94G>T on transcript NM_138348.6 (MANE Select); coding-DNA position 94, G replaced by T.
Protein change: p.Gly32Cys; replaces glycine 32 with cysteine.
Molecular consequence: missense variant.
Genome position (GRCh38, 1-based): chr5:14,664,919, G>T. VCF-style: chr5-14664919-G-T. GRCh37 (hg19) VCF-style: chr5-14665028-G-T.
Other names: short protein forms G32C.
Identifiers: ClinVar variation 1482076 (VCV001482076.8), dbSNP rs2126808858, ClinGen allele CA359242219.
Genomic context (GRCh38, chr5:14,664,919, plus strand): 5'-TGGCCAGGCGCGAGCTGCGCCGAGACGCCGGCGCGGGAGGCGGCGGCCACGGCGCGGGAC[G>T]GCGGGAAGGCGGCGGCCAGCGGGCAGCCGCGGCCCGAGATGCAGTGCCCGGCCGAGCAGT-3'
Protein context (NP_612357.4, residues 22-42): AREAAATARD[Gly32Cys]GKAAASGQPR